The following is an entry in ClinVar:

NM_153252.5(BRWD3):c.3943C>T (p.Leu1315Phe)

Gene: BRWD3 (bromodomain and WD repeat domain containing 3; minus strand). Cytogenetic location: Xq21.1.
Variant type: single nucleotide variant.
Coding change: c.3943C>T on transcript NM_153252.5 (MANE Select); coding-DNA position 3943, C replaced by T.
Protein change: p.Leu1315Phe; replaces leucine 1315 with phenylalanine.
Molecular consequence: missense variant.
Genome position (GRCh38, 1-based): chrX:80,686,925, G>A on the plus strand (C>T on the coding strand, the complement: BRWD3 is on the minus strand). VCF-style: chrX-80686925-G-A. GRCh37 (hg19) VCF-style: chrX-79942424-G-A.
Other names: short protein forms L1315F.
Identifiers: ClinVar variation 2816890 (VCV002816890.3), dbSNP rs1436026214, ClinGen allele CA413613057.

ClinVar aggregate classification (germline): Uncertain significance (1 of 4 stars; one submission).

Allele frequency attached by ClinVar (database versions not stated): gnomAD exomes below 0.00001; TOPMed below 0.00001.
gnomAD v4.1: 1 of 1,209,017 alleles (0.000083%); highest among the groups gnomAD compares: Non-Finnish European, 0.00011%; no homozygotes.

Submission:

Labcorp Genetics (formerly Invitae), Labcorp
Classification: Uncertain significance. Last evaluated: 2022-11-26. Review status: criteria provided, single submitter. Criteria: Invitae Variant Classification Sherloc (09022015). Collection method: clinical testing. Allele origin: germline.
Comment: This sequence change replaces leucine, which is neutral and non-polar, with phenylalanine, which is neutral and non-polar, at codon 1315 of the BRWD3 protein (p.Leu1315Phe). This variant is present in population databases (no rsID available, gnomAD 0.001%), including at least one homozygous and/or hemizygous individual. This variant has not been reported in the literature in individuals affected with BRWD3-related conditions. Advanced modeling of protein sequence and biophysical properties (such as structural, functional, and spatial information, amino acid conservation, physicochemical variation, residue mobility, and thermodynamic stability) performed at Invitae indicates that this missense variant is not expected to disrupt BRWD3 protein function. In summary, the available evidence is currently insufficient to determine the role of this variant in disease. Therefore, it has been classified as a Variant of Uncertain Significance.